The following is an entry in ClinVar:

ClinVar aggregate classification (germline): Uncertain significance. Review status: criteria provided, multiple submitters, no conflicts (2 of 4 stars). 2 submissions from 2 submitters: Uncertain significance (2). Last evaluated 2024-04-11.

Submissions (2):

Women's Health and Genetics/Laboratory Corporation of America, LabCorp
Classification: Uncertain significance. Last evaluated: 2024-04-11. Review status: criteria provided, single submitter. Criteria: LabCorp Variant Classification Summary - May 2015. Collection method: clinical testing. Allele origin: germline.
Comment: Variant summary: USH2A c.4298G>A (p.Gly1433Glu) results in a non-conservative amino acid change located in the Fibronectin type III domain (IPR003961) of the encoded protein sequence. Three of five in-silico tools predict a benign effect of the variant on protein function. The variant was absent in 250548 control chromosomes. The available data on variant occurrences in the general population are insufficient to allow any conclusion about variant significance. c.4298G>A has been reported in the literature in an individual affected with Retinitis Pigmentosa in the presence of other USH2A and EYS variants, without reported co-segregation or detailed phase information (e.g. Zhu_2020). This report does not provide unequivocal conclusions about association of the variant with Usher Syndrome. To our knowledge, no experimental evidence demonstrating an impact on protein function has been reported. The following publication have been ascertained in the context of this evaluation (PMID: 32675063). ClinVar contains an entry for this variant (Variation ID: 2043904). Based on the evidence outlined above, the variant was classified as uncertain significance.

Labcorp Genetics (formerly Invitae), Labcorp
Classification: Uncertain significance. Last evaluated: 2022-01-12. Review status: criteria provided, single submitter. Criteria: Invitae Variant Classification Sherloc (09022015). Collection method: clinical testing. Allele origin: germline.
Comment: This sequence change replaces glycine, which is neutral and non-polar, with glutamic acid, which is acidic and polar, at codon 1433 of the USH2A protein (p.Gly1433Glu). This variant is not present in population databases (gnomAD no frequency). This missense change has been observed in individual(s) with Usher syndrome (Invitae). Algorithms developed to predict the effect of missense changes on protein structure and function output the following: SIFT: "Tolerated"; PolyPhen-2: "Possibly Damaging"; Align-GVGD: "Class C0". The glutamic acid amino acid residue is found in multiple mammalian species, which suggests that this missense change does not adversely affect protein function. In summary, the available evidence is currently insufficient to determine the role of this variant in disease. Therefore, it has been classified as a Variant of Uncertain Significance.

Literature cited by the submitters: PubMed 32675063 (cited by Women's Health and Genetics/Laboratory Corporation of America, LabCorp).

NM_206933.4(USH2A):c.4298G>A (p.Gly1433Glu)

Gene: USH2A (usherin; minus strand). Cytogenetic location: 1q41.
Variant type: single nucleotide variant.
Coding change: c.4298G>A on transcript NM_206933.4 (MANE Select); coding-DNA position 4298, G replaced by A.
Protein change: p.Gly1433Glu; replaces glycine 1433 with glutamic acid.
Molecular consequence: missense variant.
Genome position (GRCh38, 1-based): chr1:216,190,321, C>T on the plus strand (G>A on the coding strand, the complement: USH2A is on the minus strand). VCF-style: chr1-216190321-C-T. GRCh37 (hg19) VCF-style: chr1-216363663-C-T.
Other names: c.4298G>A, p.Gly1433Glu (NM_007123.6); short protein forms G1433E.
Identifiers: ClinVar variation 2043904 (VCV002043904.2), dbSNP rs2528020362, ClinGen allele CA344865427.
Genomic context (GRCh38, chr1:216,190,321, plus strand): 5'-ACACAACCAACTGAATTGCAGAGAGTAATAGTAAACTCATATATCCTATAAGGTTTCAGT[C>T]CTTCTACAGTGTAAGATAGTTCTTGGGATTTAGCAGTGTGCAACAGCTTCAAGGCAAAAA-3'
Protein context (NP_996816.3, residues 1423-1443): KSQELSYTVE[Gly1433Glu]LKPYRIYEFT